The following is an entry in ClinVar:

NM_001347721.2(DYRK1A):c.489+1G>A

Gene: DYRK1A (dual specificity tyrosine phosphorylation regulated kinase 1A; plus strand). Cytogenetic location: 21q22.13.
Variant type: single nucleotide variant.
Coding change: c.489+1G>A on transcript NM_001347721.2 (MANE Select); the canonical splice donor site of the intron after coding-DNA position 489, G replaced by A.
Molecular consequence: splice donor variant.
Genome position (GRCh38, 1-based): chr21:37,480,827, G>A. VCF-style: chr21-37480827-G-A. GRCh37 (hg19) VCF-style: chr21-38853129-G-A.
Other names: c.516+1G>A (NM_001396.5, NM_101395.2, NM_130438.2); c.489+1G>A (NM_001347722.2, NM_130436.2); c.402+1G>A (NM_001347723.2).
Identifiers: ClinVar variation 2444612 (VCV002444612.1), dbSNP rs2517988286, ClinGen allele CA409944722.

ClinVar aggregate classification (germline): Likely pathogenic (1 of 4 stars; one submission).

Submission:

GeneDx
Classification: Likely pathogenic. Last evaluated: 2023-03-16. Review status: criteria provided, single submitter. Criteria: GeneDx Variant Classification Process June 2021. Collection method: clinical testing. Allele origin: germline. Affected: yes.
Comment: Canonical splice site variant expected to result in aberrant splicing, although in the absence of functional evidence the actual effect of this sequence change is unknown.; Not observed at significant frequency in large population cohorts (gnomAD); Has not been previously published as pathogenic or benign to our knowledge